The following is an entry in ClinVar:

ClinVar aggregate classification (germline): Uncertain significance. Review status: criteria provided, multiple submitters, no conflicts (2 of 4 stars). 3 submissions from 3 submitters: Uncertain significance (3). Last evaluated 2025-10-15.

Conditions:
Nephronophthisis. Also called: Juvenile Nephronophthisis. Identifiers: Orphanet 655, MedGen C0687120, MONDO:0019005, HP:0000090.
Nephronophthisis 4 (NPHP4). Also called: NEPHRONOPHTHISIS 4, JUVENILE. Identifiers: Orphanet 655, MedGen C1847013, MONDO:0011752, OMIM 606966.
Senior-Loken syndrome 4 (SLSN4). Identifiers: Orphanet 3156, MedGen C1846979, MONDO:0011756, OMIM 606996.
Inborn genetic diseases. Identifiers: MedGen C0950123, MeSH D030342.

Allele frequency attached by ClinVar (database versions not stated): ExAC 0.00001; gnomAD exomes 0.00001; TOPMed 0.00001.
gnomAD v4.1: 28 of 1,613,788 alleles (0.0017%); highest among the groups gnomAD compares: East Asian, 0.0022%; no homozygotes.

Submissions (3):

Ambry Genetics
Classification: Uncertain significance for Inborn genetic diseases. Last evaluated: 2025-10-15. Review status: criteria provided, single submitter. Criteria: Ambry Variant Classification Scheme 2023. Collection method: clinical testing. Allele origin: germline.

Labcorp Genetics (formerly Invitae), Labcorp
Classification: Uncertain significance for Nephronophthisis. Last evaluated: 2022-03-19. Review status: criteria provided, single submitter. Criteria: Invitae Variant Classification Sherloc (09022015). Collection method: clinical testing. Allele origin: germline.
Comment: This sequence change replaces serine, which is neutral and polar, with leucine, which is neutral and non-polar, at codon 418 of the NPHP4 protein (p.Ser418Leu). This variant is present in population databases (rs767476133, gnomAD 0.01%). This variant has not been reported in the literature in individuals affected with NPHP4-related conditions. ClinVar contains an entry for this variant (Variation ID: 856134). Algorithms developed to predict the effect of missense changes on protein structure and function output the following: SIFT: "Tolerated"; PolyPhen-2: "Benign"; Align-GVGD: "Class C0". The leucine amino acid residue is found in multiple mammalian species, which suggests that this missense change does not adversely affect protein function. In summary, the available evidence is currently insufficient to determine the role of this variant in disease. Therefore, it has been classified as a Variant of Uncertain Significance.

Fulgent Genetics
Classification: Uncertain significance for Nephronophthisis 4; Senior-Loken syndrome 4. Last evaluated: 2022-02-18. Review status: criteria provided, single submitter. Criteria: ACMG Guidelines, 2015. Collection method: clinical testing. Allele origin: unknown.

NM_015102.5(NPHP4):c.1253C>T (p.Ser418Leu)

Gene: NPHP4 (nephrocystin 4; minus strand). Cytogenetic location: 1p36.31.
Variant type: single nucleotide variant.
Coding change: c.1253C>T on transcript NM_015102.5 (MANE Select); coding-DNA position 1253, C replaced by T.
Protein change: p.Ser418Leu; replaces serine 418 with leucine.
Molecular consequence: missense variant. On other transcripts: 5 prime UTR variant (2), non-coding transcript variant (1).
Genome position (GRCh38, 1-based): chr1:5,933,196, G>A on the plus strand (C>T on the coding strand, the complement: NPHP4 is on the minus strand). VCF-style: chr1-5933196-G-A. GRCh37 (hg19) VCF-style: chr1-5993256-G-A.
Other names: c.1253C>T (NM_015102.3); c.-114C>T (NM_001291593.2, NM_001291594.2); short protein forms S418L.
Identifiers: ClinVar variation 856134 (VCV000856134.7), dbSNP rs767476133, ClinGen allele CA554588.